The following is an entry in ClinVar:

NC_000001.10:g.(?_145507647)_(145555822_?)del

Genes: ANKRD35 (ankyrin repeat domain 35; minus strand), ITGA10 (integrin subunit alpha 10; minus strand), PEX11B (peroxisomal biogenesis factor 11 beta; minus strand), RBM8A (RNA binding motif protein 8A; minus strand). Cytogenetic location: 1q21.1.
Variant type: Deletion.
Identifiers: ClinVar variation 1071174 (VCV001071174.1).

ClinVar aggregate classification (germline): Pathogenic (1 of 4 stars; one submission).

Submission:

Labcorp Genetics (formerly Invitae), Labcorp
Classification: Pathogenic. Last evaluated: 2020-03-27. Review status: criteria provided, single submitter. Criteria: Invitae Variant Classification Sherloc (09022015). Collection method: clinical testing. Allele origin: germline.
Comment: A gross deletion of the genomic region encompassing the full coding sequence of the PEX11B gene has been identified. The boundaries of this event are unknown as the deletion extends beyond the assayed region for this gene and therefore may encompass additional genes. This variant has not been reported in the literature in individuals with PEX11B-related conditions. Loss-of-function variants in PEX11B are known to be pathogenic (PMID: 22581968, 26233629, 28129423). For these reasons, this variant has been classified as Pathogenic.

Literature cited by the submitters: PubMed 22581968; PubMed 26233629; PubMed 28129423.